The following is an entry in ClinVar:

NM_015466.4(PTPN23):c.4355A>G (p.His1452Arg)

Gene: PTPN23 (protein tyrosine phosphatase non-receptor type 23; plus strand). Cytogenetic location: 3p21.31.
Variant type: single nucleotide variant.
Coding change: c.4355A>G on transcript NM_015466.4 (MANE Select); coding-DNA position 4355, A replaced by G.
Protein change: p.His1452Arg; replaces histidine 1452 with arginine.
Molecular consequence: missense variant.
Genome position (GRCh38, 1-based): chr3:47,412,551, A>G. VCF-style: chr3-47412551-A-G. GRCh37 (hg19) VCF-style: chr3-47454041-A-G.
Other names: c.3977A>G, p.His1326Arg (NM_001304482.2); short protein forms H1326R, H1452R.
Identifiers: ClinVar variation 1717494 (VCV001717494.5), dbSNP rs1019484378, ClinGen allele CA73885836.

ClinVar aggregate classification (germline): Uncertain significance (1 of 4 stars; one submission).

Allele frequency attached by ClinVar (database versions not stated): gnomAD exomes below 0.00001; TOPMed below 0.00001; gnomAD 0.00001.
gnomAD v4.1: 3 of 1,613,456 alleles (0.00019%); highest among the groups gnomAD compares: Non-Finnish European, 0.00017%; no homozygotes.

Submission:

Labcorp Genetics (formerly Invitae), Labcorp
Classification: Uncertain significance. Last evaluated: 2024-07-29. Review status: criteria provided, single submitter. Criteria: Invitae Variant Classification Sherloc (09022015). Collection method: clinical testing. Allele origin: germline.
Comment: This sequence change replaces histidine, which is basic and polar, with arginine, which is basic and polar, at codon 1452 of the PTPN23 protein (p.His1452Arg). This variant is not present in population databases (gnomAD no frequency). This variant has not been reported in the literature in individuals affected with PTPN23-related conditions. ClinVar contains an entry for this variant (Variation ID: 1717494). An algorithm developed to predict the effect of missense changes on protein structure and function (PolyPhen-2) suggests that this variant is likely to be disruptive. In summary, the available evidence is currently insufficient to determine the role of this variant in disease. Therefore, it has been classified as a Variant of Uncertain Significance.